The following is an entry in ClinVar:

NM_001083961.2(WDR62):c.562-13C>T

Gene: WDR62 (WD repeat domain 62; plus strand). Cytogenetic location: 19q13.12.
Variant type: single nucleotide variant.
Coding change: c.562-13C>T on transcript NM_001083961.2 (MANE Select); 13 bases into the intron before coding-DNA position 562, C replaced by T.
Molecular consequence: intron variant.
Genome position (GRCh38, 1-based): chr19:36,067,293, C>T. VCF-style: chr19-36067293-C-T. GRCh37 (hg19) VCF-style: chr19-36558195-C-T.
Other names: c.562-13C>T (NM_173636.5).
Identifiers: ClinVar variation 160305 (VCV000160305.28), dbSNP rs78138007, ClinGen allele CA173945.

ClinVar aggregate classification (germline): Benign. Review status: criteria provided, multiple submitters, no conflicts (2 of 4 stars). 10 submissions from 10 submitters: Benign (8). 2 of the submissions do not count toward it. Last evaluated 2026-01-28.

Conditions:
Microcephaly 2, primary, autosomal recessive, with or without cortical malformations. Also called: WDR62 Primary Microcephaly; MICROCEPHALY 2, PRIMARY, AUTOSOMAL RECESSIVE, WITH CORTICAL MALFORMATIONS. Identifiers: Orphanet 2512, MedGen C1858535, MONDO:0011435, OMIM 604317.

Allele frequency attached by ClinVar (database versions not stated): gnomAD 0.03315 and 0.03579; TOPMed 0.03373; ESP Exome Variant Server 0.03483; gnomAD exomes 0.03862 and 0.04633; ExAC 0.04809; 1000 Genomes Project 30x 0.05372; 1000 Genomes Project 0.05631.
gnomAD v4.1: 62,474 of 1,614,002 alleles (3.9%); highest among the groups gnomAD compares: East Asian, 11%; 1,571 homozygotes.

Submissions (10):

Labcorp Genetics (formerly Invitae), Labcorp
Classification: Benign. Last evaluated: 2026-01-28. Review status: criteria provided, single submitter. Criteria: Invitae Variant Classification Sherloc (09022015). Collection method: clinical testing. Allele origin: germline.

Blueprint Genetics
Classification: Benign. Last evaluated: 2024-11-28. Review status: criteria provided, single submitter. Criteria: ACMG Guidelines, 2015. Collection method: clinical testing. Allele origin: germline.

Genome-Nilou Lab
Classification: Benign for Microcephaly 2, primary, autosomal recessive, with or without cortical malformations. Last evaluated: 2021-12-05. Review status: criteria provided, single submitter. Criteria: ACMG Guidelines, 2015. Collection method: clinical testing. Allele origin: germline. Affected: no.

Illumina Laboratory Services, Illumina
Classification: Benign for Microcephaly 2, primary, autosomal recessive, with or without cortical malformations. Last evaluated: 2018-01-13. Review status: criteria provided, single submitter. Criteria: ICSL Variant Classification Criteria 13 December 2019. Collection method: clinical testing. Allele origin: germline.
Comment: This variant was observed in the ICSL laboratory as part of a predisposition screen in an ostensibly healthy population. It had not been previously curated by ICSL or reported in the Human Gene Mutation Database (HGMD: prior to June 1st, 2018), and was therefore a candidate for classification through an automated scoring system. Utilizing variant allele frequency, disease prevalence and penetrance estimates, and inheritance mode, an automated score was calculated to assess if this variant is too frequent to cause the disease. Based on the score and internal cut-off values, a variant classified as benign is not then subjected to further curation. The score for this variant resulted in a classification of benign for this disease.

GeneDx
Classification: Benign. Last evaluated: 2015-03-03. Review status: criteria provided, single submitter. Criteria: GeneDx Variant Classification Process June 2021. Collection method: clinical testing. Allele origin: germline. Affected: yes.

Genetic Services Laboratory, University of Chicago
Classification: Benign. Last evaluated: 2013-02-08. Review status: criteria provided, single submitter. Criteria: ACMG Guidelines, 2007. Collection method: clinical testing. Allele origin: germline. Inheritance: Autosomal recessive inheritance.

Breakthrough Genomics
Classification: Benign. Review status: criteria provided, single submitter. Criteria: ACMG Guidelines, 2015. Collection method: not provided. Allele origin: germline. Inheritance: Autosomal recessive inheritance. Affected: yes.

PreventionGenetics, part of Exact Sciences
Classification: Benign. Review status: criteria provided, single submitter. Criteria: ACMG Guidelines, 2015. Collection method: clinical testing. Allele origin: germline.

Clinical Genetics DNA and cytogenetics Diagnostics Lab, Erasmus MC, Erasmus Medical Center
Classification: Benign. Review status: no assertion criteria provided. Collection method: clinical testing. Allele origin: germline. Affected: yes. Study: VKGL Data-share Consensus. Not counted in ClinVar's aggregate classification.

Joint Genome Diagnostic Labs from Nijmegen and Maastricht, Radboudumc and MUMC+
Classification: Benign. Review status: no assertion criteria provided. Collection method: clinical testing. Allele origin: germline. Affected: yes. Study: VKGL Data-share Consensus. Not counted in ClinVar's aggregate classification.